The following is an entry in ClinVar:

NM_017760.7(NCAPG2):c.2466T>C (p.Phe822=)

Gene: NCAPG2 (non-SMC condensin II complex subunit G2; minus strand). Cytogenetic location: 7q36.3.
Variant type: single nucleotide variant.
Coding change: c.2466T>C on transcript NM_017760.7 (MANE Select); coding-DNA position 2466, T replaced by C.
Protein change: p.Phe822=; no amino-acid change (phenylalanine 822 retained).
Molecular consequence: synonymous variant. On other transcripts: non-coding transcript variant (1).
Genome position (GRCh38, 1-based): chr7:158,655,378, A>G on the plus strand (T>C on the coding strand, the complement: NCAPG2 is on the minus strand). VCF-style: chr7-158655378-A-G. GRCh37 (hg19) VCF-style: chr7-158448070-A-G.
Other names: c.2466T>C, p.Phe822= (NM_001281932.2, NM_001281933.2).
Identifiers: ClinVar variation 4535101 (VCV004535101.6).

ClinVar aggregate classification (germline): Likely benign (1 of 4 stars; one submission).

Submission:

CeGaT Center for Human Genetics Tuebingen
Classification: Likely benign. Last evaluated: 2025-11-01. Review status: criteria provided, single submitter. Criteria: CeGaT Center For Human Genetics Tuebingen Variant Classification Criteria Version 2. Collection method: clinical testing. Allele origin: germline. Affected: yes. Observed: 1 variant allele.
Comment: NCAPG2: PM2:Supporting, BP4, BP7